The following is an entry in ClinVar:

NM_016604.4(KDM3B):c.2207T>G (p.Ile736Ser)

Gene: KDM3B (lysine demethylase 3B; plus strand). Cytogenetic location: 5q31.2.
Variant type: single nucleotide variant.
Coding change: c.2207T>G on transcript NM_016604.4 (MANE Select); coding-DNA position 2207, T replaced by G.
Protein change: p.Ile736Ser; replaces isoleucine 736 with serine.
Molecular consequence: missense variant.
Genome position (GRCh38, 1-based): chr5:138,391,839, T>G. VCF-style: chr5-138391839-T-G. GRCh37 (hg19) VCF-style: chr5-137727528-T-G.
Other names: short protein forms I736S.
Identifiers: ClinVar variation 2304595 (VCV002304595.2), dbSNP rs2480211260, ClinGen allele CA361109076.

ClinVar aggregate classification (germline): Uncertain significance (1 of 4 stars; one submission).

Conditions:
Inborn genetic diseases. Identifiers: MedGen C0950123, MeSH D030342.

Submission:

Ambry Genetics
Classification: Uncertain significance for Inborn genetic diseases. Last evaluated: 2022-08-02. Review status: criteria provided, single submitter. Criteria: Ambry Variant Classification Scheme 2023. Collection method: clinical testing. Allele origin: germline.
Comment: The c.2207T>G (p.I736S) alteration is located in exon 8 (coding exon 8) of the KDM3B gene. This alteration results from a T to G substitution at nucleotide position 2207, causing the isoleucine (I) at amino acid position 736 to be replaced by a serine (S). This variant was not reported in population-based cohorts in the Genome Aggregation Database (gnomAD). This amino acid position is well conserved in available vertebrate species. This alteration is predicted to be tolerated by in silico analysis. Based on insufficient or conflicting evidence, the clinical significance of this alteration remains unclear.